The following is an entry in ClinVar:

ClinVar aggregate classification (germline): Pathogenic (1 of 4 stars; one submission).

gnomAD v4.1: 8 of 1,614,112 alleles (0.0005%); highest among the groups gnomAD compares: Non-Finnish European, 0.00068%; no homozygotes.

Submission:

Labcorp Genetics (formerly Invitae), Labcorp
Classification: Pathogenic. Last evaluated: 2024-07-23. Review status: criteria provided, single submitter. Criteria: Invitae Variant Classification Sherloc (09022015). Collection method: clinical testing. Allele origin: germline.
Comment: This sequence change creates a premature translational stop signal (p.Arg510*) in the ITGA3 gene. It is expected to result in an absent or disrupted protein product. Loss-of-function variants in ITGA3 are known to be pathogenic (PMID: 22512483). This variant is not present in population databases (gnomAD no frequency). This variant has not been reported in the literature in individuals affected with ITGA3-related conditions. Algorithms developed to predict the effect of sequence changes on RNA splicing suggest that this variant may disrupt the consensus splice site. For these reasons, this variant has been classified as Pathogenic.

Literature cited by the submitters: PubMed 22512483.

NM_002204.4(ITGA3):c.1528C>T (p.Arg510Ter)

Gene: ITGA3 (integrin subunit alpha 3; plus strand). Cytogenetic location: 17q21.33.
Variant type: single nucleotide variant.
Coding change: c.1528C>T on transcript NM_002204.4 (MANE Select); coding-DNA position 1528, C replaced by T.
Protein change: p.Arg510Ter; replaces arginine 510 with a stop codon.
Molecular consequence: nonsense.
Genome position (GRCh38, 1-based): chr17:50,075,517, C>T. VCF-style: chr17-50075517-C-T. GRCh37 (hg19) VCF-style: chr17-48152881-C-T.
Other names: short protein forms R510*.
Identifiers: ClinVar variation 3675073 (VCV003675073.2).